The following is an entry in ClinVar:

NM_000093.5(COL5A1):c.1812G>T (p.Gly604=)

Gene: COL5A1 (collagen type V alpha 1 chain; plus strand). Cytogenetic location: 9q34.3.
Variant type: single nucleotide variant.
Coding change: c.1812G>T on transcript NM_000093.5 (MANE Select); coding-DNA position 1812, G replaced by T.
Protein change: p.Gly604=; no amino-acid change (glycine 604 retained).
Molecular consequence: synonymous variant.
Genome position (GRCh38, 1-based): chr9:134,754,311, G>T. VCF-style: chr9-134754311-G-T. GRCh37 (hg19) VCF-style: chr9-137646157-G-T.
Other names: c.1812G>T, p.Gly604= (NM_001278074.1).
Identifiers: ClinVar variation 3495558 (VCV003495558.1).
Genomic context (GRCh38, chr9:134,754,311, plus strand): 5'-CTTTGTCTCTTACCCCTGGCAGGGTCCTCGAGGTGTGCAAGGCCCGCCTGGTCCGGCCGG[G>T]AAGCCCGGAAGACGGGTGAGTGGTGCGAGTGTGTGTGGTTTAGTGACAGCAGCTTGGGCG-3'
Protein context (NP_000084.3, residues 594-614): RGVQGPPGPA[Gly604=]KPGRRGRAGS

ClinVar aggregate classification (germline): Uncertain significance (1 of 4 stars; one submission).

Conditions:
Familial thoracic aortic aneurysm and aortic dissection (TAAD). Also called: Thoracic aortic aneurysms and dissections. Identifiers: Orphanet 91387, MedGen C4707243, MONDO:0019625.

Submission:

Ambry Genetics
Classification: Uncertain significance for Familial thoracic aortic aneurysm and aortic dissection. Last evaluated: 2024-11-01. Review status: criteria provided, single submitter. Criteria: Ambry Variant Classification Scheme 2023. Collection method: clinical testing. Allele origin: germline.
Comment: The c.1812G>T variant (also known as p.G604G), located in coding exon 16 of the COL5A1 gene, results from a G to T substitution at nucleotide position 1812. This nucleotide substitution does not change the amino acid at codon 604. This variant has been observed in at least one individual with a personal and/or family history that is consistent with classic Ehlers-Danlos syndrome (Ambry internal data). This nucleotide position is poorly conserved in available vertebrate species. In silico splice site analysis predicts that this alteration will result in the creation or strengthening of a novel splice donor site. Based on the available evidence, the clinical significance of this variant remains unclear.